The following is an entry in ClinVar:

ClinVar aggregate classification (germline): Likely pathogenic (1 of 4 stars; one submission).

Conditions:
Hereditary cancer-predisposing syndrome. Also called: Tumor predisposition; Neoplastic Syndromes, Hereditary; Hereditary neoplastic syndrome; Hereditary Cancer Syndrome. Identifiers: Orphanet 140162, MedGen C0027672, MeSH D009386, MONDO:0015356.

Submission:

Ambry Genetics
Classification: Likely pathogenic for Hereditary cancer-predisposing syndrome. Last evaluated: 2025-10-30. Review status: criteria provided, single submitter. Criteria: Ambry Variant Classification Scheme 2023. Collection method: clinical testing. Allele origin: germline.
Comment: The c.3994-161G>A intronic variant results from a G to A substitution 161 nucleotides upstream from coding exon 26 in the ATM gene. This nucleotide position is well conserved in available vertebrate species. In silico splice site analysis for this alteration is inconclusive. RNA studies have demonstrated that this alteration results in abnormal splicing in the set of samples tested (Ambry internal data). Based on the majority of available evidence to date, this variant is likely to be pathogenic.

NM_000051.4(ATM):c.3994-161G>A

Gene: ATM (ATM serine/threonine kinase; plus strand). Cytogenetic location: 11q22.3.
Variant type: single nucleotide variant.
Coding change: c.3994-161G>A on transcript NM_000051.4 (MANE Select); 161 bases into the intron before coding-DNA position 3994, G replaced by A.
Molecular consequence: intron variant.
Genome position (GRCh38, 1-based): chr11:108,287,439, G>A. VCF-style: chr11-108287439-G-A. GRCh37 (hg19) VCF-style: chr11-108158166-G-A.
Other names: c.3994-161G>A (NM_001351834.2).
Identifiers: ClinVar variation 3445836 (VCV003445836.2).